The following is an entry in ClinVar:

ClinVar aggregate classification (germline): Uncertain significance. Review status: criteria provided, multiple submitters, no conflicts (2 of 4 stars). 2 submissions from 2 submitters: Uncertain significance (2). Last evaluated 2025-05-18.

Conditions:
Hereditary cancer-predisposing syndrome. Also called: Neoplastic Syndromes, Hereditary; Tumor predisposition; Hereditary Cancer Syndrome; Hereditary neoplastic syndrome. Identifiers: Orphanet 140162, MedGen C0027672, MeSH D009386, MONDO:0015356.
Familial cancer of breast. Also called: BREAST CANCER, FAMILIAL; Hereditary breast cancer; hereditary breast carcinoma. Identifiers: Orphanet 227535, MedGen C0346153, MONDO:0016419, OMIM 114480. Disease mechanism: loss of function.

Submissions (2):

Labcorp Genetics (formerly Invitae), Labcorp
Classification: Uncertain significance for Familial cancer of breast. Last evaluated: 2025-05-18. Review status: criteria provided, single submitter. Criteria: Invitae Variant Classification Sherloc (09022015). Collection method: clinical testing. Allele origin: germline.
Comment: This sequence change replaces valine, which is neutral and non-polar, with leucine, which is neutral and non-polar, at codon 636 of the BARD1 protein (p.Val636Leu). This variant is not present in population databases (gnomAD no frequency). This variant has not been reported in the literature in individuals affected with BARD1-related conditions. ClinVar contains an entry for this variant (Variation ID: 1782399). An algorithm developed to predict the effect of missense changes on protein structure and function (PolyPhen-2) suggests that this variant is likely to be disruptive. In summary, the available evidence is currently insufficient to determine the role of this variant in disease. Therefore, it has been classified as a Variant of Uncertain Significance.

Ambry Genetics
Classification: Uncertain significance for Hereditary cancer-predisposing syndrome. Last evaluated: 2021-08-10. Review status: criteria provided, single submitter. Criteria: Ambry Variant Classification Scheme 2023. Collection method: clinical testing. Allele origin: germline.
Comment: The p.V636L variant (also known as c.1906G>T), located in coding exon 10 of the BARD1 gene, results from a G to T substitution at nucleotide position 1906. The valine at codon 636 is replaced by leucine, an amino acid with highly similar properties. This amino acid position is highly conserved in available vertebrate species. In addition, the in silico prediction for this alteration is inconclusive. Since supporting evidence is limited at this time, the clinical significance of this alteration remains unclear.

NM_000465.4(BARD1):c.1906G>T (p.Val636Leu)

Gene: BARD1 (BRCA1 associated RING domain 1; minus strand). Cytogenetic location: 2q35.
Variant type: single nucleotide variant.
Coding change: c.1906G>T on transcript NM_000465.4 (MANE Select); coding-DNA position 1906, G replaced by T.
Protein change: p.Val636Leu; replaces valine 636 with leucine.
Molecular consequence: missense variant. On other transcripts: non-coding transcript variant (3).
Genome position (GRCh38, 1-based): chr2:214,730,506, C>A on the plus strand (G>T on the coding strand, the complement: BARD1 is on the minus strand). VCF-style: chr2-214730506-C-A. GRCh37 (hg19) VCF-style: chr2-215595230-C-A.
Other names: c.1849G>T, p.Val617Leu (NM_001282543.2); c.553G>T, p.Val185Leu (NM_001282545.2); c.496G>T, p.Val166Leu (NM_001282548.2); c.367G>T, p.Val123Leu (NM_001282549.2); short protein forms V123L, V166L, V617L, V636L, V185L.
Identifiers: ClinVar variation 1782399 (VCV001782399.3), dbSNP rs1553612541, ClinGen allele CA350451339.
Genomic context (GRCh38, chr2:214,730,506, plus strand): 5'-CTTCAGGAATTTCATACTTTTCTTCCTGTTCACATACTTTTCTTCGTAGACATGCTTTTA[C>A]CCCTGACAAAAACACAAGAATTAAAGCAAACTAAGTATCAAGTGAGCACTATATCTCTCT-3'
Protein context (NP_000456.2, residues 626-646): NGCWILKFEW[Val636Leu]KACLRRKVCE